The following is an entry in ClinVar:

ClinVar aggregate classification (germline): Uncertain significance (1 of 4 stars; one submission).

Allele frequency attached by ClinVar (database versions not stated): TOPMed below 0.00001; gnomAD exomes 0.00001.

Submission:

Labcorp Genetics (formerly Invitae), Labcorp
Classification: Uncertain significance. Last evaluated: 2022-11-26. Review status: criteria provided, single submitter. Criteria: Invitae Variant Classification Sherloc (09022015). Collection method: clinical testing. Allele origin: germline.
Comment: In summary, the available evidence is currently insufficient to determine the role of this variant in disease. Therefore, it has been classified as a Variant of Uncertain Significance. This sequence change replaces aspartic acid, which is acidic and polar, with asparagine, which is neutral and polar, at codon 1216 of the CLTC protein (p.Asp1216Asn). This variant is not present in population databases (gnomAD no frequency). This variant has not been reported in the literature in individuals affected with CLTC-related conditions. Advanced modeling of protein sequence and biophysical properties (such as structural, functional, and spatial information, amino acid conservation, physicochemical variation, residue mobility, and thermodynamic stability) performed at Invitae indicates that this missense variant is not expected to disrupt CLTC protein function.

NM_004859.4(CLTC):c.3634G>A (p.Asp1212Asn)

Gene: CLTC (clathrin heavy chain; plus strand). Cytogenetic location: 17q23.1.
Variant type: single nucleotide variant.
Coding change: c.3634G>A on transcript NM_004859.4 (MANE Select); coding-DNA position 3634, G replaced by A.
Protein change: p.Asp1212Asn; replaces aspartic acid 1212 with asparagine.
Molecular consequence: missense variant.
Genome position (GRCh38, 1-based): chr17:59,682,662, G>A. VCF-style: chr17-59682662-G-A. GRCh37 (hg19) VCF-style: chr17-57760023-G-A.
Other names: c.3646G>A, p.Asp1216Asn (NM_001288653.2); short protein forms D1212N, D1216N.
Identifiers: ClinVar variation 2993333 (VCV002993333.3), dbSNP rs2033105130, ClinGen allele CA400418276.